The following is an entry in ClinVar:

NM_201384.3(PLEC):c.2434G>A (p.Val812Met)

Gene: PLEC (plectin; minus strand). Cytogenetic location: 8q24.3.
Variant type: single nucleotide variant.
Coding change: c.2434G>A on transcript NM_201384.3 (MANE Select); coding-DNA position 2434, G replaced by A.
Protein change: p.Val812Met; replaces valine 812 with methionine.
Molecular consequence: missense variant.
Genome position (GRCh38, 1-based): chr8:143,930,407, C>T on the plus strand (G>A on the coding strand, the complement: PLEC is on the minus strand). VCF-style: chr8-143930407-C-T. GRCh37 (hg19) VCF-style: chr8-145004575-C-T.
Other names: c.2515G>A (NM_000445.3); c.2515G>A, p.Val839Met (NM_000445.5); c.2392G>A, p.Val798Met (NM_201378.4); c.2368G>A, p.Val790Met (NM_201379.3); c.2845G>A, p.Val949Met (NM_201380.4); c.2338G>A, p.Val780Met (NM_201381.3); c.2434G>A, p.Val812Met (NM_201382.4); c.2446G>A, p.Val816Met (NM_201383.3); short protein forms V780M, V790M, V798M, V812M, V816M, V839M, V949M.
Identifiers: ClinVar variation 1021959 (VCV001021959.9), dbSNP rs372398638, ClinGen allele CA4927538.

ClinVar aggregate classification (germline): Uncertain significance. Review status: criteria provided, multiple submitters, no conflicts (2 of 4 stars). 3 submissions from 3 submitters: Uncertain significance (3). Last evaluated 2025-04-23.

Conditions:
Inborn genetic diseases. Identifiers: MedGen C0950123, MeSH D030342.
Epidermolysis bullosa simplex with nail dystrophy (EBS5D). Identifiers: MedGen C4225309, MONDO:0014661, OMIM 616487.
Epidermolysis bullosa simplex 5B, with muscular dystrophy (EBS5B). Also called: EPIDERMOLYSIS BULLOSA SIMPLEX AND LIMB-GIRDLE MUSCULAR DYSTROPHY; Epidermolysis bullosa simplex with muscular dystrophy. Identifiers: Orphanet 257, MedGen C2931072, MONDO:0009181, OMIM 226670.
Epidermolysis bullosa simplex, Ogna type (EBS5A). Also called: Pidermolysis bullosa simplex 5A, Ogna type; EPIDERMOLYSIS BULLOSA SIMPLEX 5A, OGNA TYPE. Identifiers: Orphanet 79401, MedGen C0432317, MONDO:0007555, OMIM 131950.
Epidermolysis bullosa simplex 5C, with pyloric atresia (EBS5C). Also called: PLEC-Related Epidermolysis Bullosa with Pyloric Atresia; Epidermolysis bullosa simplex with pyloric atresia; PLEC1-Related Epidermolysis Bullosa with Pyloric Atresia. Identifiers: Orphanet 158684, MedGen C2677349, MONDO:0012807, OMIM 612138.
Autosomal recessive limb-girdle muscular dystrophy type 2Q (LGMDR17). Also called: MUSCULAR DYSTROPHY, LIMB-GIRDLE, AUTOSOMAL RECESSIVE 17. Identifiers: Orphanet 254361, MedGen C3150989, MONDO:0013390, OMIM 613723.

Allele frequency attached by ClinVar (database versions not stated): TOPMed 0.00006; 1000 Genomes Project 30x 0.00016.
gnomAD v4.1: 68 of 1,572,712 alleles (0.0043%); highest among the groups gnomAD compares: South Asian, 0.0069%; no homozygotes.

Submissions (3):

Labcorp Genetics (formerly Invitae), Labcorp
Classification: Uncertain significance for Autosomal recessive limb-girdle muscular dystrophy type 2Q; Epidermolysis bullosa simplex, Ogna type; Epidermolysis bullosa simplex with nail dystrophy; Epidermolysis bullosa simplex 5C, with pyloric atresia; Epidermolysis bullosa simplex 5B, with muscular dystrophy. Last evaluated: 2025-04-23. Review status: criteria provided, single submitter. Criteria: Invitae Variant Classification Sherloc (09022015). Collection method: clinical testing. Allele origin: germline.
Comment: This sequence change replaces valine, which is neutral and non-polar, with methionine, which is neutral and non-polar, at codon 839 of the PLEC protein (p.Val839Met). The frequency data for this variant in the population databases is considered unreliable, as metrics indicate poor data quality at this position in the gnomAD database. This missense change has been observed in individual(s) with PLEC-related conditions (internal data). ClinVar contains an entry for this variant (Variation ID: 1021959). Invitae Evidence Modeling of protein sequence and biophysical properties (such as structural, functional, and spatial information, amino acid conservation, physicochemical variation, residue mobility, and thermodynamic stability) indicates that this missense variant is not expected to disrupt PLEC protein function with a negative predictive value of 80%. In summary, the available evidence is currently insufficient to determine the role of this variant in disease. Therefore, it has been classified as a Variant of Uncertain Significance.

Ambry Genetics
Classification: Uncertain significance for Inborn genetic diseases. Last evaluated: 2023-10-06. Review status: criteria provided, single submitter. Criteria: Ambry Variant Classification Scheme 2023. Collection method: clinical testing. Allele origin: germline.

Revvity Omics, Revvity
Classification: Uncertain significance. Last evaluated: 2019-02-22. Review status: criteria provided, single submitter. Criteria: ACMG Guidelines, 2015. Collection method: clinical testing. Allele origin: germline.